The following is an entry in ClinVar:

ClinVar aggregate classification (germline): Likely pathogenic. Review status: criteria provided, single submitter (1 of 4 stars). 2 submissions from 2 submitters: Likely pathogenic (1). 1 of the submissions does not count toward it. Last evaluated 2023-10-27.

Conditions:
Primary hyperoxaluria type 3. Also called: PH III. Identifiers: Orphanet 416, Orphanet 93600, MedGen C3150878, MONDO:0013327, OMIM 613616. Disease mechanism: loss of function.

Submissions (2):

Clinical Biochemistry Laboratory, Health Services Laboratory
Classification: Likely pathogenic for Primary hyperoxaluria type 3. Last evaluated: 2023-10-27. Review status: criteria provided, single submitter. Criteria: ACMG Guidelines, 2015. Collection method: curation. Allele origin: germline. Affected: yes.
Comment: ACMG:PVS1 PM2 PM4

Gharavi Laboratory, Columbia University
Classification: Uncertain significance. Last evaluated: 2018-09-16. Review status: no assertion criteria provided. Criteria: ACMG Guidelines, 2015. Collection method: research. Allele origin: germline. Affected: yes. Not counted in ClinVar's aggregate classification.

NM_138413.4(HOGA1):c.122_123del (p.Pro41fs)

Gene: HOGA1 (4-hydroxy-2-oxoglutarate aldolase 1; plus strand). Cytogenetic location: 10q24.2.
Variant type: Deletion.
Coding change: c.122_123del on transcript NM_138413.4 (MANE Select); coding-DNA positions 122 to 123, 2 bases deleted (CT; older notation c.122_123delCT).
Protein change: p.Pro41fs; shifts the reading frame from proline 41.
Molecular consequence: frameshift variant.
Genome position (GRCh38, 1-based): chr10:97,584,825-97,584,826, CT deleted. VCF-style (leftmost placement, unchanged base first): chr10-97584824-CCT-C. GRCh37 (hg19) VCF-style: chr10-99344581-CCT-C.
Other names: c.122_123del, p.Pro41fs (NM_001134670.2); short protein forms P41fs.
Identifiers: ClinVar variation 591832 (VCV000591832.3), dbSNP rs1564753668, ClinGen allele CA891862830.